The following is an entry in ClinVar:

NM_000937.5(POLR2A):c.2051-3T>C

Gene: POLR2A (RNA polymerase II subunit A; plus strand). Cytogenetic location: 17p13.1.
Variant type: single nucleotide variant.
Coding change: c.2051-3T>C on transcript NM_000937.5 (MANE Select); 3 bases into the intron before coding-DNA position 2051, T replaced by C.
Molecular consequence: intron variant.
Genome position (GRCh38, 1-based): chr17:7,501,286, T>C. VCF-style: chr17-7501286-T-C. GRCh37 (hg19) VCF-style: chr17-7404605-T-C.
Identifiers: ClinVar variation 4883469 (VCV004883469.2).

ClinVar aggregate classification (germline): Uncertain significance (1 of 4 stars; one submission).

Conditions:
Neurodevelopmental disorder with hypotonia and variable intellectual and behavioral abnormalities. Identifiers: MedGen C5231423, MONDO:0032829, OMIM 618603.

Submission:

Dasa
Classification: Uncertain significance for Neurodevelopmental disorder with hypotonia and variable intellectual and behavioral abnormalities. Last evaluated: 2025-11-20. Review status: criteria provided, single submitter. Criteria: DASA Assertion Criteria. Collection method: clinical testing. Allele origin: germline.
Comment: NM_000937.5(POLR2A):c.2051-3T>C is a splice-region variant. This variant is rare in population databases. Computational prediction algorithms are consistent with a benign effect. The currently available literature and clinical evidence are not sufficient to establish a definitive association between this variant and the reported condition. Therefore, this variant is classified as a variant of uncertain significance.